The following is an entry in ClinVar:

ClinVar aggregate classification (germline): Uncertain significance (1 of 4 stars; one submission).

Allele frequency attached by ClinVar (database versions not stated): gnomAD exomes below 0.00001.
gnomAD v4.1: 1 of 1,573,874 alleles (0.000064%); highest among the groups gnomAD compares: Non-Finnish European, 0.000086%; no homozygotes.

Submission:

CeGaT Center for Human Genetics Tuebingen
Classification: Uncertain significance. Last evaluated: 2023-04-01. Review status: criteria provided, single submitter. Criteria: CeGaT Center For Human Genetics Tuebingen Variant Classification Criteria Version 2. Collection method: clinical testing. Allele origin: germline. Affected: yes. Observed: 1 variant allele.
Comment: KCNQ2: PM2, PP2, PP3

NM_172107.4(KCNQ2):c.1205G>A (p.Gly402Glu)

Gene: KCNQ2 (potassium voltage-gated channel subfamily Q member 2; minus strand). Cytogenetic location: 20q13.33.
Variant type: single nucleotide variant.
Coding change: c.1205G>A on transcript NM_172107.4 (MANE Select); coding-DNA position 1205, G replaced by A.
Protein change: p.Gly402Glu; replaces glycine 402 with glutamic acid.
Molecular consequence: missense variant.
Genome position (GRCh38, 1-based): chr20:63,428,379, C>T on the plus strand (G>A on the coding strand, the complement: KCNQ2 is on the minus strand). VCF-style: chr20-63428379-C-T. GRCh37 (hg19) VCF-style: chr20-62059732-C-T.
Other names: c.1205G>A, p.Gly402Glu (NM_001382235.1, NM_172106.3, NM_172108.5); c.1175G>A, p.Gly392Glu (NM_004518.6); short protein forms G392E, G402E.
Identifiers: ClinVar variation 2571141 (VCV002571141.27), dbSNP rs2516309757, ClinGen allele CA409649776.